The following is an entry in ClinVar:

ClinVar aggregate classification (germline): Uncertain significance. Review status: criteria provided, multiple submitters, no conflicts (2 of 4 stars). 3 submissions from 3 submitters: Uncertain significance (3). Last evaluated 2025-01-17.

Conditions:
Ataxia-telangiectasia syndrome (AT). Also called: Cerebello-oculocutaneous telangiectasia; Immunodeficiency with ataxia telangiectasia; Ataxia-telangiectasia; Ataxia telangiectasia (A-T); LOUIS-BAR SYNDROME; Ataxia-telangiectasia, complementation group D. Identifiers: Orphanet 100, MedGen C0004135, MONDO:0008840, OMIM 208900.
Hereditary cancer-predisposing syndrome. Also called: Neoplastic Syndromes, Hereditary; Tumor predisposition; Hereditary neoplastic syndrome; Hereditary Cancer Syndrome. Identifiers: Orphanet 140162, MedGen C0027672, MeSH D009386, MONDO:0015356.

Submissions (3):

Ambry Genetics
Classification: Uncertain significance for Hereditary cancer-predisposing syndrome. Last evaluated: 2025-01-17. Review status: criteria provided, single submitter. Criteria: Ambry Variant Classification Scheme 2023. Collection method: clinical testing. Allele origin: germline.
Comment: The c.2500_2501delGAinsCT variant, located in coding exon 16 of the ATM gene, results from an in-frame deletion of GA and insertion of CT at nucleotide positions 2500 to 2501. This results in the substitution of the glutamic acid residue for a leucine residue at codon 834, an amino acid with dissimilar properties. This amino acid position is well conserved in available vertebrate species. Based on the available evidence, the clinical significance of this variant remains unclear.

Labcorp Genetics (formerly Invitae), Labcorp
Classification: Uncertain significance for Ataxia-telangiectasia syndrome. Last evaluated: 2022-03-19. Review status: criteria provided, single submitter. Criteria: Invitae Variant Classification Sherloc (09022015). Collection method: clinical testing. Allele origin: germline.
Comment: This sequence change replaces glutamic acid, which is acidic and polar, with leucine, which is neutral and non-polar, at codon 834 of the ATM protein (p.Glu834Leu). Information on the frequency of this variant in the gnomAD database is not available, as this variant may be reported differently in the database. This variant has not been reported in the literature in individuals affected with ATM-related conditions. ClinVar contains an entry for this variant (Variation ID: 246328). Algorithms developed to predict the effect of missense changes on protein structure and function are either unavailable or do not agree on the potential impact of this missense change (SIFT: "Not Available"; PolyPhen-2: "Benign"; Align-GVGD: "Not Available"). In summary, the available evidence is currently insufficient to determine the role of this variant in disease. Therefore, it has been classified as a Variant of Uncertain Significance.

GeneDx
Classification: Uncertain significance. Last evaluated: 2016-01-18. Review status: criteria provided, single submitter. Criteria: GeneDx Variant Classification (06012015). Collection method: clinical testing. Allele origin: germline. Affected: yes.
Comment: This variant is denoted ATM c.2500_2501delGAinsCT at the cDNA level, p.Glu834Leu (E834L) at the protein level. The normal sequence, with the bases that are deleted in braces and inserted in brackets, is TGGA[GA][CT]AGTA. This in frame deletion and insertion occurs on the same allele (in cis) and results in the missense change of a Glutamic Acid to a Leucine (GAA>CTA). This variant has not, to our knowledge, been published in the literature as pathogenic or benign. Neither ATM c.2500_2501delGAinsCT nor ATM Glu834Leu (by this or an alternate nucleotide change) was not observed in approximately 6,500 individuals of European and African American ancestry in the NHLBI Exome Sequencing Project, suggesting it is not a common benign variant in these populations. Since Glutamic Acid and Leucine differ in polarity, charge, size or other properties, this is considered a non-conservative amino acid substitution. ATM Glu834Leu occurs at a position that is conserved across species and is not located in a known functional domain (Tavtigian 2009, Stracker 2013). Based on currently available evidence, it is unclear whether ATM Glu834Leu is a pathogenic or benign variant. We consider it to be a variant of uncertain significance.

NM_000051.4(ATM):c.2500_2501delinsCT (p.Glu834Leu)

Gene: ATM (ATM serine/threonine kinase; plus strand). Cytogenetic location: 11q22.3.
Variant type: Indel.
Coding change: c.2500_2501delinsCT on transcript NM_000051.4 (MANE Select); coding-DNA positions 2500 to 2501, GA replaced by CT.
Protein change: p.Glu834Leu; replaces glutamic acid 834 with leucine.
Molecular consequence: missense variant.
Genome position (GRCh38, 1-based): chr11:108,267,204-108,267,205, GA replaced by CT. VCF-style: chr11-108267204-GA-CT. GRCh37 (hg19) VCF-style: chr11-108137931-GA-CT.
Other names: c.2500_2501delGAinsCT (NM_000051.3); c.2500_2501delinsCT, p.Glu834Leu (NM_001351834.2); short protein forms E834L.
Identifiers: ClinVar variation 246328 (VCV000246328.10), dbSNP rs879254208, ClinGen allele CA10584331.